The following is an entry in ClinVar:

ClinVar aggregate classification (germline): Uncertain significance. Review status: criteria provided, multiple submitters, no conflicts (2 of 4 stars). 2 submissions from 2 submitters: Uncertain significance (2). Last evaluated 2025-05-18.

Conditions:
Hereditary cancer-predisposing syndrome. Also called: Neoplastic Syndromes, Hereditary; Tumor predisposition; Hereditary neoplastic syndrome; Hereditary Cancer Syndrome. Identifiers: Orphanet 140162, MedGen C0027672, MeSH D009386, MONDO:0015356.

Submissions (2):

Labcorp Genetics (formerly Invitae), Labcorp
Classification: Uncertain significance. Last evaluated: 2025-05-18. Review status: criteria provided, single submitter. Criteria: Invitae Variant Classification Sherloc (09022015). Collection method: clinical testing. Allele origin: germline.
Comment: This sequence change replaces isoleucine, which is neutral and non-polar, with methionine, which is neutral and non-polar, at codon 1864 of the POLE protein (p.Ile1864Met). This variant is not present in population databases (gnomAD no frequency). This variant has not been reported in the literature in individuals affected with POLE-related conditions. ClinVar contains an entry for this variant (Variation ID: 3308394). Invitae Evidence Modeling of protein sequence and biophysical properties (such as structural, functional, and spatial information, amino acid conservation, physicochemical variation, residue mobility, and thermodynamic stability) indicates that this missense variant is expected to disrupt POLE protein function with a positive predictive value of 80%. In summary, the available evidence is currently insufficient to determine the role of this variant in disease. Therefore, it has been classified as a Variant of Uncertain Significance.

Ambry Genetics
Classification: Uncertain significance for Hereditary cancer-predisposing syndrome. Last evaluated: 2024-04-26. Review status: criteria provided, single submitter. Criteria: Ambry Variant Classification Scheme 2023. Collection method: clinical testing. Allele origin: germline.
Comment: The p.I1864M variant (also known as c.5592C>G), located in coding exon 41 of the POLE gene, results from a C to G substitution at nucleotide position 5592. The isoleucine at codon 1864 is replaced by methionine, an amino acid with highly similar properties. This amino acid position is conserved. In addition, this alteration is predicted to be tolerated by in silico analysis. Based on the available evidence, the clinical significance of this variant remains unclear.

NM_006231.4(POLE):c.5592C>G (p.Ile1864Met)

Gene: POLE (DNA polymerase epsilon, catalytic subunit; minus strand). Cytogenetic location: 12q24.33.
Variant type: single nucleotide variant.
Coding change: c.5592C>G on transcript NM_006231.4 (MANE Select); coding-DNA position 5592, C replaced by G.
Protein change: p.Ile1864Met; replaces isoleucine 1864 with methionine.
Molecular consequence: missense variant.
Genome position (GRCh38, 1-based): chr12:132,638,100, G>C on the plus strand (C>G on the coding strand, the complement: POLE is on the minus strand). VCF-style: chr12-132638100-G-C. GRCh37 (hg19) VCF-style: chr12-133214686-G-C.
Other names: short protein forms I1864M.
Identifiers: ClinVar variation 3308394 (VCV003308394.3).